The following is an entry in ClinVar:

NM_000212.3(ITGB3):c.96C>T (p.Thr32=)

Gene: ITGB3 (integrin subunit beta 3; plus strand). Cytogenetic location: 17q21.32.
Variant type: single nucleotide variant.
Coding change: c.96C>T on transcript NM_000212.3 (MANE Select); coding-DNA position 96, C replaced by T.
Protein change: p.Thr32=; no amino-acid change (threonine 32 retained).
Molecular consequence: synonymous variant.
Genome position (GRCh38, 1-based): chr17:47,274,435, C>T. VCF-style: chr17-47274435-C-T. GRCh37 (hg19) VCF-style: chr17-45351801-C-T.
Other names: p.Thr32=.
Identifiers: ClinVar variation 2732429 (VCV002732429.6), dbSNP rs61736877, ClinGen allele CA8622850.

ClinVar aggregate classification (germline): Likely benign. Review status: criteria provided, multiple submitters, no conflicts (2 of 4 stars). 3 submissions from 3 submitters: Likely benign (2). 1 of the submissions does not count toward it. Last evaluated 2025-08-14.

Conditions:
ITGB3-related disorder. Also called: ITGB3-related condition.

Allele frequency attached by ClinVar (database versions not stated): ExAC 0.00007; ESP Exome Variant Server 0.00023.
gnomAD v4.1: 73 of 1,613,214 alleles (0.0045%); highest among the groups gnomAD compares: African/African-American, 0.088%; no homozygotes.

Submissions (3):

Mayo Clinic Laboratories, Mayo Clinic
Classification: Likely benign. Last evaluated: 2025-08-14. Review status: criteria provided, single submitter. Criteria: ACMG Guidelines, 2015. Collection method: clinical testing. Allele origin: germline. Observed: 2 variant alleles.
Comment: BP4, BP7

Labcorp Genetics (formerly Invitae), Labcorp
Classification: Likely benign. Last evaluated: 2025-04-27. Review status: criteria provided, single submitter. Criteria: Invitae Variant Classification Sherloc (09022015). Collection method: clinical testing. Allele origin: germline.

PreventionGenetics, part of Exact Sciences
Classification: Likely benign for ITGB3-related condition. Last evaluated: 2024-02-07. Review status: no assertion criteria provided. Collection method: clinical testing. Allele origin: germline. Not counted in ClinVar's aggregate classification.
Comment: This variant is classified as likely benign based on ACMG/AMP sequence variant interpretation guidelines (Richards et al. 2015 PMID: 25741868, with internal and published modifications).